The following is an entry in ClinVar:

NM_001164508.2(NEB):c.7498_7499del (p.Ile2500fs)

Gene: NEB (nebulin; minus strand). Cytogenetic location: 2q23.3.
Variant type: Deletion.
Coding change: c.7498_7499del on transcript NM_001164508.2 (MANE Select); coding-DNA positions 7498 to 7499, 2 bases deleted (AT; older notation c.7498_7499delAT).
Protein change: p.Ile2500fs; shifts the reading frame from isoleucine 2500.
Molecular consequence: frameshift variant.
Genome position (GRCh38, 1-based): chr2:151,646,167-151,646,168, AT deleted on the plus strand (AT on the coding strand, the reverse complement: NEB is on the minus strand). VCF-style (leftmost placement, unchanged base first): chr2-151646166-AAT-A. GRCh37 (hg19) VCF-style: chr2-152502680-AAT-A.
Other names: c.7498_7499del, p.Ile2500fs (NM_001164507.2, NM_001271208.2, NM_004543.5); short protein forms I2500fs.
Identifiers: ClinVar variation 5015032 (VCV005015032.1).

ClinVar aggregate classification (germline): Pathogenic (1 of 4 stars; one submission).

Conditions:
Nemaline myopathy 2 (NEM2). Also called: Nemaline myopathy 2, autosomal recessive. Identifiers: MedGen C1850569, MONDO:0009725, OMIM 256030.

Submission:

Myriad Genetics, Inc.
Classification: Pathogenic for Nemaline myopathy 2. Last evaluated: 2025-09-29. Review status: criteria provided, single submitter. Criteria: Myriad Autosomal Dominant, Autosomal Recessive and X-Linked Classification Criteria (2023). Collection method: clinical testing. Allele origin: unknown.
Comment: NM_001271208.1(NEB):c.7498_7499delAT(I2500Cfs*4) is expected to be pathogenic in the context of NEB-related nemaline myopathy. This variant is predicted to lead to an abnormal or absent protein product due to the creation of a premature termination codon in NEB, a gene where loss-of-function variants are known to be pathogenic. Please note: this variant was assessed in the context of healthy population screening.